The following is an entry in ClinVar:

NM_017947.4(MOCOS):c.1516G>T (p.Gly506Trp)

Gene: MOCOS (molybdenum cofactor sulfurase; plus strand). Cytogenetic location: 18q12.2.
Variant type: single nucleotide variant.
Coding change: c.1516G>T on transcript NM_017947.4 (MANE Select); coding-DNA position 1516, G replaced by T.
Protein change: p.Gly506Trp; replaces glycine 506 with tryptophan.
Molecular consequence: missense variant.
Genome position (GRCh38, 1-based): chr18:36,215,696, G>T. VCF-style: chr18-36215696-G-T. GRCh37 (hg19) VCF-style: chr18-33795659-G-T.
Other names: short protein forms G506W.
Identifiers: ClinVar variation 740398 (VCV000740398.11), dbSNP rs149198061, ClinGen allele CA8940762.

ClinVar aggregate classification (germline): Conflicting classifications of pathogenicity. Review status: criteria provided, conflicting classifications (1 of 4 stars). 3 submissions from 3 submitters: Uncertain significance (1); Likely benign (2). Last evaluated 2026-01-05.

Conditions:
MOCOS-related disorder. Also called: MOCOS-related condition.
Xanthinuria type II. Also called: Xanthine dehydrogenase and aldehyde oxidase combined deficiency of; XDH and AOX dual deficiency. Identifiers: Orphanet 3467, Orphanet 93602, MedGen C1863688, MONDO:0011346, OMIM 603592.

Allele frequency attached by ClinVar (database versions not stated): ESP Exome Variant Server 0.00008; TOPMed 0.00008; 1000 Genomes Project 30x 0.00203; 1000 Genomes Project 0.00220.
gnomAD v4.1: 400 of 1,614,092 alleles (0.025%); highest among the groups gnomAD compares: South Asian, 0.28%; 1 homozygote.

Submissions (3):

Labcorp Genetics (formerly Invitae), Labcorp
Classification: Likely benign for Xanthinuria type II. Last evaluated: 2026-01-05. Review status: criteria provided, single submitter. Criteria: Invitae Variant Classification Sherloc (09022015). Collection method: clinical testing. Allele origin: germline.

PreventionGenetics, part of Exact Sciences
Classification: Likely benign for MOCOS-related condition. Last evaluated: 2024-12-18. Review status: criteria provided, single submitter. Criteria: ACMG Guidelines, 2015. Collection method: clinical testing. Allele origin: germline.
Comment: This variant is classified as likely benign based on ACMG/AMP sequence variant interpretation guidelines (Richards et al. 2015 PMID: 25741868, with internal and published modifications).

Blueprint Genetics
Classification: Uncertain significance. Last evaluated: 2024-10-17. Review status: criteria provided, single submitter. Criteria: ACMG Guidelines, 2015. Collection method: clinical testing. Allele origin: germline.